The following is an entry in ClinVar:

ClinVar aggregate classification (germline): Uncertain significance. Review status: criteria provided, multiple submitters, no conflicts (2 of 4 stars). 3 submissions from 3 submitters: Uncertain significance (3). Last evaluated 2026-06-23.

Conditions:
TTN-related disorder. Also called: TTN-related condition; TTN-related disease; TTN-related disorders.
Cardiovascular phenotype. Identifiers: MedGen CN230736.

Allele frequency attached by ClinVar (database versions not stated): gnomAD 0.00003 and 0.00004; ExAC 0.00006; gnomAD exomes 0.00006 and 0.00017; TOPMed 0.00006.
gnomAD v4.1: 252 of 1,610,512 alleles (0.016%); highest among the groups gnomAD compares: Non-Finnish European, 0.02%; no homozygotes.

Submissions (3):

PreventionGenetics, part of Exact Sciences
Classification: Uncertain significance for TTN-related condition. Last evaluated: 2026-06-23. Review status: criteria provided, single submitter. Criteria: ACMG Guidelines, 2015. Collection method: clinical testing. Allele origin: germline.
Comment: The TTN c.83572G>A variant is predicted to result in the amino acid substitution p.Val27858Ile. To our knowledge, this variant has not been reported in the literature. This variant is reported in 0.017% of alleles in individuals of African descent in gnomAD. Although we suspect that this variant may be benign, at this time, the clinical significance of this variant is uncertain due to the absence of conclusive functional and genetic evidence.

Women's Health and Genetics/Laboratory Corporation of America, LabCorp
Classification: Uncertain significance. Last evaluated: 2026-01-16. Review status: criteria provided, single submitter. Criteria: LabCorp Variant Classification Summary - May 2015. Collection method: clinical testing. Allele origin: germline.
Comment: Variant summary: TTN c.75868G>A (p.Val25290Ile) results in a conservative amino acid change in the encoded protein sequence. Algorithms developed to predict the effect of missense changes on protein structure and function all suggest that this variant is likely to be tolerated. The variant allele was found at a frequency of 5.7e-05 in 245730 control chromosomes. This frequency is not significantly higher than estimated for disease-causing variants in TTN, allowing no conclusion about variant significance. To our knowledge, no occurrence of c.75868G>A in individuals affected with TTN-related conditions and no experimental evidence demonstrating its impact on protein function have been reported. ClinVar contains an entry for this variant (Variation ID: 519170). Based on the evidence outlined above, the variant was classified as uncertain significance.

Ambry Genetics
Classification: Uncertain significance for Cardiovascular phenotype. Last evaluated: 2020-03-09. Review status: criteria provided, single submitter. Criteria: Ambry Variant Classification Scheme 2023. Collection method: clinical testing. Allele origin: germline.
Comment: The p.V18793I variant (also known as c.56377G>A), located in coding exon 153 of the TTN gene, results from a G to A substitution at nucleotide position 56377. The valine at codon 18793 is replaced by isoleucine, an amino acid with highly similar properties. This amino acid position is not well conserved in available vertebrate species, and isoleucine is the reference amino acid in other vertebrate species. In addition, this alteration is predicted to be tolerated by in silico analysis. Since supporting evidence is limited at this time, the clinical significance of this alteration remains unclear.

NM_001267550.2(TTN):c.83572G>A (p.Val27858Ile)

Genes: TTN-AS1 (TTN antisense RNA 1; plus strand), TTN (titin; minus strand). Cytogenetic location: 2q31.2.
Variant type: single nucleotide variant.
Coding change: c.83572G>A on transcript NM_001267550.2 (MANE Select); coding-DNA position 83572, G replaced by A.
Protein change: p.Val27858Ile; replaces valine 27858 with isoleucine.
Molecular consequence: missense variant.
Genome position (GRCh38, 1-based): chr2:178,562,560, C>T on the plus strand (G>A on the coding strand, the complement: TTN is on the minus strand). VCF-style: chr2-178562560-C-T. GRCh37 (hg19) VCF-style: chr2-179427287-C-T.
Other names: c.78649G>A, p.Val26217Ile (NM_001256850.1); c.56377G>A, p.Val18793Ile (NM_003319.4); c.75868G>A, p.Val25290Ile (NM_133378.4); c.56752G>A, p.Val18918Ile (NM_133432.3); c.56953G>A, p.Val18985Ile (NM_133437.4); short protein forms V18793I, V27858I, V25290I, V18918I, V18985I, V26217I.
Identifiers: ClinVar variation 519170 (VCV000519170.10), dbSNP rs778221988, ClinGen allele CA1988903.